The following is an entry in ClinVar:

NM_004493.3(HSD17B10):c.330C>G (p.Thr110=)

Gene: HSD17B10 (hydroxysteroid 17-beta dehydrogenase 10; minus strand). Cytogenetic location: Xp11.22.
Variant type: single nucleotide variant.
Coding change: c.330C>G on transcript NM_004493.3 (MANE Select); coding-DNA position 330, C replaced by G.
Protein change: p.Thr110=; no amino-acid change (threonine 110 retained).
Molecular consequence: synonymous variant.
Genome position (GRCh38, 1-based): chrX:53,432,274, G>C on the plus strand (C>G on the coding strand, the complement: HSD17B10 is on the minus strand). VCF-style: chrX-53432274-G-C. GRCh37 (hg19) VCF-style: chrX-53459222-G-C.
Other names: c.330C>G, p.Thr110= (NM_001037811.2).
Identifiers: ClinVar variation 2660613 (VCV002660613.24), dbSNP rs1569365787, ClinGen allele CA516429081.

ClinVar aggregate classification (germline): Likely benign (1 of 4 stars; one submission).

Allele frequency attached by ClinVar (database versions not stated): gnomAD exomes below 0.00001.
gnomAD v4.1: 5 of 1,210,976 alleles (0.00041%); highest among the groups gnomAD compares: Non-Finnish European, 0.00045%; no homozygotes.

Submission:

CeGaT Center for Human Genetics Tuebingen
Classification: Likely benign. Last evaluated: 2022-12-01. Review status: criteria provided, single submitter. Criteria: CeGaT Center For Human Genetics Tuebingen Variant Classification Criteria Version 2. Collection method: clinical testing. Allele origin: germline. Affected: yes. Observed: 1 variant allele.
Comment: HSD17B10: BP4, BP7